The following is an entry in ClinVar:

ClinVar aggregate classification (germline): Pathogenic (1 of 4 stars; one submission).

Conditions:
Severe X-linked myotubular myopathy (CNMX). Also called: MYOTUBULAR MYOPATHY 1; Myotubular myopathy, X-linked; X-linked centronuclear myopathy. Identifiers: Orphanet 596, MedGen C0410203, MONDO:0010683, OMIM 310400.

Submission:

Labcorp Genetics (formerly Invitae), Labcorp
Classification: Pathogenic for Severe X-linked myotubular myopathy. Last evaluated: 2018-08-15. Review status: criteria provided, single submitter. Criteria: Invitae Variant Classification Sherloc (09022015). Collection method: clinical testing. Allele origin: germline.
Comment: Other truncations (p.Leu498*, p.Glu517*, p.Arg520*, p.Tyr523*, p.Trp537*) that lie downstream of this variant have been reported in individuals affected with X-linked myotubular myopathy (PMID: 10790201, 12522554, 20434914). For these reasons, this variant has been classified as Pathogenic. This variant has not been reported in the literature in individuals with MTM1-related disease. This variant is a gross deletion of the genomic region encompassing exons 14-15 of the MTM1 gene. The 5' boundary is likely confined to intron 13. The 3' end of this event is unknown as it extends through the termination codon beyond the assayed region for this gene and may encompass additional genes. While this deletion is not anticipated to result in nonsense mediated decay, it is expected to create a truncated protein product or disrupt mRNA translation.

Literature cited by the submitters: PubMed 10790201; PubMed 12522554; PubMed 20434914.

NC_000023.10:g.(?_149831886)_(149840088_?)del

Gene: MTM1 (myotubularin 1; plus strand). Cytogenetic location: Xq28.
Variant type: Deletion.
Identifiers: ClinVar variation 645882 (VCV000645882.3).